The following is an entry in ClinVar:

ClinVar aggregate classification (germline): Likely pathogenic (1 of 4 stars; one submission).

Conditions:
Bardet-Biedl syndrome 1 (BBS1). Identifiers: MedGen C2936862, MONDO:0008854, OMIM 209900. Disease mechanism: loss of function.

Submission:

Myriad Genetics, Inc.
Classification: Likely pathogenic for Bardet-Biedl syndrome 1. Last evaluated: 2019-08-09. Review status: criteria provided, single submitter. Criteria: Myriad Women's Health Autosomal Recessive and X-Linked Classification Criteria (2019). Collection method: clinical testing. Allele origin: unknown.
Comment: NM_024649.4(BBS1):c.1009G>T(E337*) is expected to be pathogenic in the context of Bardet-Biedl syndrome, BBS1-related. This variant is predicted to lead to an abnormal or absent protein product due to the creation of a premature termination codon in BBS1, a gene where loss-of-function variants are known to be pathogenic. Please note: this variant was assessed in the context of healthy population screening.

NM_024649.5(BBS1):c.1009G>T (p.Glu337Ter)

Genes: BBS1 (Bardet-Biedl syndrome 1; plus strand), ZDHHC24 (zDHHC palmitoyltransferase 24; minus strand). Cytogenetic location: 11q13.2.
Variant type: single nucleotide variant.
Coding change: c.1009G>T on transcript NM_024649.5 (MANE Select); coding-DNA position 1009, G replaced by T.
Protein change: p.Glu337Ter; replaces glutamic acid 337 with a stop codon.
Molecular consequence: nonsense. On other transcripts: intron variant (1).
Genome position (GRCh38, 1-based): chr11:66,523,781, G>T. VCF-style: chr11-66523781-G-T. GRCh37 (hg19) VCF-style: chr11-66291252-G-T.
Other names: c.*22-2315C>A (NM_001348571.2); short protein forms E337*.
Identifiers: ClinVar variation 983998 (VCV000983998.5), dbSNP rs1856358703, ClinGen allele CA381462265.